The following is an entry in ClinVar:

NM_198904.4(GABRG2):c.141A>C (p.Glu47Asp)

Gene: GABRG2 (gamma-aminobutyric acid type A receptor subunit gamma2; plus strand). Cytogenetic location: 5q34.
Variant type: single nucleotide variant.
Coding change: c.141A>C on transcript NM_198904.4 (MANE Select); coding-DNA position 141, A replaced by C.
Protein change: p.Glu47Asp; replaces glutamic acid 47 with aspartic acid.
Molecular consequence: missense variant. On other transcripts: 5 prime UTR variant (3).
Genome position (GRCh38, 1-based): chr5:162,093,861, A>C. VCF-style: chr5-162093861-A-C. GRCh37 (hg19) VCF-style: chr5-161520867-A-C.
Other names: c.141A>C, p.Glu47Asp (NM_000816.3, NM_001375340.1, NM_001375341.1 and 4 more transcripts); c.132A>C, p.Glu44Asp (NM_001375339.1); c.75A>C, p.Glu25Asp (NM_001375345.1, NM_001375346.1); c.54A>C, p.Glu18Asp (NM_001375347.1); c.-218A>C (NM_001375348.1, NM_001375350.1); c.-145A>C (NM_001375349.1); short protein forms E18D, E25D, E44D, E47D.
Identifiers: ClinVar variation 4085630 (VCV004085630.8).

ClinVar aggregate classification (germline): Uncertain significance (1 of 4 stars; one submission).

Submission:

CeGaT Center for Human Genetics Tuebingen
Classification: Uncertain significance. Last evaluated: 2025-08-01. Review status: criteria provided, single submitter. Criteria: CeGaT Center For Human Genetics Tuebingen Variant Classification Criteria Version 2. Collection method: clinical testing. Allele origin: germline. Affected: yes. Observed: 1 variant allele.
Comment: GABRG2: PM2